The following is an entry in ClinVar:

ClinVar aggregate classification (germline): Uncertain significance (1 of 4 stars; one submission).

Submission:

GeneDx
Classification: Uncertain significance. Last evaluated: 2022-10-10. Review status: criteria provided, single submitter. Criteria: GeneDx Variant Classification Process June 2021. Collection method: clinical testing. Allele origin: germline. Affected: yes.
Comment: Not observed at significant frequency in large population cohorts (gnomAD); In silico analysis supports that this missense variant does not alter protein structure/function; Has not been previously published as pathogenic or benign to our knowledge

NM_006662.3(SRCAP):c.8168G>T (p.Arg2723Leu)

Gene: SRCAP (Snf2 related CREBBP activator protein; plus strand). Cytogenetic location: 16p11.2.
Variant type: single nucleotide variant.
Coding change: c.8168G>T on transcript NM_006662.3 (MANE Select); coding-DNA position 8168, G replaced by T.
Protein change: p.Arg2723Leu; replaces arginine 2723 with leucine.
Molecular consequence: missense variant.
Genome position (GRCh38, 1-based): chr16:30,738,208, G>T. VCF-style: chr16-30738208-G-T. GRCh37 (hg19) VCF-style: chr16-30749529-G-T.
Other names: short protein forms R2723L.
Identifiers: ClinVar variation 2497938 (VCV002497938.1), dbSNP rs781244152, ClinGen allele CA395636401.